The following is an entry in ClinVar:

NM_002197.3(ACO1):c.1929C>A (p.Ile643=)

Gene: ACO1 (aconitase 1; plus strand). Cytogenetic location: 9p21.1.
Variant type: single nucleotide variant.
Coding change: c.1929C>A on transcript NM_002197.3 (MANE Select); coding-DNA position 1929, C replaced by A.
Protein change: p.Ile643=; no amino-acid change (isoleucine 643 retained).
Molecular consequence: synonymous variant.
Genome position (GRCh38, 1-based): chr9:32,433,805, C>A. VCF-style: chr9-32433805-C-A. GRCh37 (hg19) VCF-style: chr9-32433803-C-A.
Other names: p.Ile643=; c.1929C>A, p.Ile643= (NM_001278352.2, NM_001362840.2).
Identifiers: ClinVar variation 4683384 (VCV004683384.1).
Genomic context (GRCh38, chr9:32,433,805, plus strand): 5'-GAATGCCTTAGCAACCCCATCAGATAAGCTGTTTTTCTGGAATTCCAAATCTACGTATAT[C>A]AAATCACCACCATTCTTTGAAAACCTGGTATGGCTTTTTATTTTTTAACAAAATGAATTC-3'
Protein context (NP_002188.1, residues 633-653): LFFWNSKSTY[Ile643=]KSPPFFENLT

ClinVar aggregate classification (germline): Likely benign (1 of 4 stars; one submission).

gnomAD v4.1: 2,078 of 1,611,212 alleles (0.13%); highest among the groups gnomAD compares: Non-Finnish European, 0.17%; 4 homozygotes.

Submission:

Mayo Clinic Laboratories, Mayo Clinic
Classification: Likely benign. Last evaluated: 2024-11-13. Review status: criteria provided, single submitter. Criteria: ACMG Guidelines, 2015. Collection method: clinical testing. Allele origin: germline. Observed: 2 variant alleles.
Comment: BP4, BP7